The following is an entry in ClinVar:

NM_001267550.2(TTN):c.69630C>A (p.Tyr23210Ter)

Genes: TTN (titin; minus strand), TTN-AS1 (TTN antisense RNA 1; plus strand), LOC126806422 (BRD4-independent group 4 enhancer GRCh37_chr2:179440205-179441404; plus strand). Cytogenetic location: 2q31.2.
Variant type: single nucleotide variant.
Coding change: c.69630C>A on transcript NM_001267550.2 (MANE Select); coding-DNA position 69630, C replaced by A.
Protein change: p.Tyr23210Ter; replaces tyrosine 23210 with a stop codon.
Molecular consequence: nonsense.
Genome position (GRCh38, 1-based): chr2:178,576,614, G>T on the plus strand (C>A on the coding strand, the complement: TTN is on the minus strand). VCF-style: chr2-178576614-G-T. GRCh37 (hg19) VCF-style: chr2-179441341-G-T.
Other names: c.64707C>A, p.Tyr21569Ter (NM_001256850.1); c.42435C>A, p.Tyr14145Ter (NM_003319.4); c.61926C>A, p.Tyr20642Ter (NM_133378.4); c.42810C>A, p.Tyr14270Ter (NM_133432.3); c.43011C>A, p.Tyr14337Ter (NM_133437.4); c.69630C>A (LRG_391t1); short protein forms Y23210*, Y14337*, Y20642*, Y14270*, Y14145*, Y21569*.
Identifiers: ClinVar variation 223289 (VCV000223289.1), dbSNP rs777602537, ClinGen allele CA089618.

ClinVar aggregate classification (germline): Likely pathogenic (1 of 4 stars; one submission).

Conditions:
Primary dilated cardiomyopathy (DCM). Also called: Dilated Cardiomyopathy. Identifiers: Orphanet 217604, MedGen C0007193, MeSH D002311, MONDO:0005021, HP:0001644. Inheritance: Various modes of inheritance.

Submission:

Cardiovascular Biomedical Research Unit, Royal Brompton & Harefield NHS Foundation Trust
Classification: Likely pathogenic for Primary dilated cardiomyopathy. Last evaluated: 2014-10-08. Review status: criteria provided, single submitter. Criteria: Roberts et al. 2015. Collection method: research. Allele origin: germline. Inheritance: Autosomal dominant inheritance. Affected: yes. Observed: 1 variant allele. Study: Unselected DCM.
Comment: In the seven cohorts assessed, TTNtv were found in 14% of ambulant DCM, 22% end-stage or familial DCM, and 2% controls. Heterozygous nonsense, frameshift and canonical splice-disrupting variants found in constitutive and other highly utilised exons are highly likely to be pathogenic when identified in individuals with phenotypically confirmed DCM. TTNtv found incidentally in healthy individuals (excluding familial assessment of DCM relatives) are thought to have low penetrance, particularly when identified in exons that are not constitutively expressed in the heart.